The following is an entry in ClinVar:

ClinVar aggregate classification (germline): Uncertain significance. Review status: criteria provided, multiple submitters, no conflicts (2 of 4 stars). 3 submissions from 3 submitters: Uncertain significance (3). Last evaluated 2025-12-13.

Conditions:
PROM1-related disorder. Also called: PROM1-related condition; PROM1-related disorders.

Allele frequency attached by ClinVar (database versions not stated): ExAC 0.00005; gnomAD exomes 0.00006; TOPMed 0.00009; ESP Exome Variant Server 0.00017.
gnomAD v4.1: 77 of 1,592,948 alleles (0.0048%); highest among the groups gnomAD compares: African/African-American, 0.03%; no homozygotes.

Submissions (3):

PreventionGenetics, part of Exact Sciences
Classification: Uncertain significance for PROM1-related condition. Last evaluated: 2025-12-13. Review status: criteria provided, single submitter. Criteria: ACMG Guidelines, 2015. Collection method: clinical testing. Allele origin: germline.
Comment: The PROM1 c.1559C>T variant is predicted to result in the amino acid substitution p.Thr520Met. To our knowledge, this variant has not been reported in the literature. This variant is reported in 0.029% of alleles in individuals of African descent in gnomAD. At this time, the clinical significance of this variant is uncertain due to the absence of conclusive functional and genetic evidence.

Labcorp Genetics (formerly Invitae), Labcorp
Classification: Uncertain significance. Last evaluated: 2024-05-11. Review status: criteria provided, single submitter. Criteria: Invitae Variant Classification Sherloc (09022015). Collection method: clinical testing. Allele origin: germline.
Comment: This sequence change replaces threonine, which is neutral and polar, with methionine, which is neutral and non-polar, at codon 520 of the PROM1 protein (p.Thr520Met). This variant is present in population databases (rs371416551, gnomAD 0.03%). This variant has not been reported in the literature in individuals affected with PROM1-related conditions. ClinVar contains an entry for this variant (Variation ID: 1494176). Advanced modeling of protein sequence and biophysical properties (such as structural, functional, and spatial information, amino acid conservation, physicochemical variation, residue mobility, and thermodynamic stability) performed at Invitae indicates that this missense variant is not expected to disrupt PROM1 protein function with a negative predictive value of 80%. In summary, the available evidence is currently insufficient to determine the role of this variant in disease. Therefore, it has been classified as a Variant of Uncertain Significance.

Blueprint Genetics
Classification: Uncertain significance. Last evaluated: 2022-09-21. Review status: criteria provided, single submitter. Criteria: ACMG Guidelines, 2015. Collection method: clinical testing. Allele origin: germline.

NM_006017.3(PROM1):c.1559C>T (p.Thr520Met)

Gene: PROM1 (prominin 1; minus strand). Cytogenetic location: 4p15.32.
Variant type: single nucleotide variant.
Coding change: c.1559C>T on transcript NM_006017.3 (MANE Select); coding-DNA position 1559, C replaced by T.
Protein change: p.Thr520Met; replaces threonine 520 with methionine.
Molecular consequence: missense variant.
Genome position (GRCh38, 1-based): chr4:16,000,515, G>A on the plus strand (C>T on the coding strand, the complement: PROM1 is on the minus strand). VCF-style: chr4-16000515-G-A. GRCh37 (hg19) VCF-style: chr4-16002138-G-A.
Other names: c.1532C>T, p.Thr511Met (NM_001145847.2, NM_001145848.2, NM_001145851.2 and 4 more transcripts); c.1559C>T, p.Thr520Met (NM_001145849.2, NM_001145850.2); c.1559C>T (NM_006017.2); short protein forms T511M, T520M.
Identifiers: ClinVar variation 1494176 (VCV001494176.8), dbSNP rs371416551, ClinGen allele CA2866737.